The following is an entry in ClinVar:

ClinVar aggregate classification (germline): Pathogenic. Review status: criteria provided, multiple submitters, no conflicts (2 of 4 stars). 4 submissions from 4 submitters: Pathogenic (3). 1 of the submissions does not count toward it. Last evaluated 2025-11-17.

Conditions:
Congenital lipoid adrenal hyperplasia due to STAR deficency. Also called: Congenital Lipoid Adrenal Hyperplasia; Cholesterol monooxygenase (side-chain cleaving) deficiency; Lipoid adrenal hyperplasia; ADRENAL HYPERPLASIA I. Identifiers: Orphanet 418, Orphanet 90790, MedGen C0342474, MONDO:0008725, OMIM 201710.

Submissions (4):

Natera, Inc.
Classification: Pathogenic for Congenital lipoid adrenal hyperplasia. Last evaluated: 2025-11-17. Review status: criteria provided, single submitter. Criteria: Natera Variant Classification Schema (03/2026). Collection method: clinical testing. Allele origin: germline.
Comment: The c.714delA variant in STAR is a frameshift variant predicted to elongate the protein beyond the termination codon. This variant is expected to result in nonsense mediated decay, truncation, or a dysfunctional protein product. This variant is rare in the general population with a frequency below the threshold expected for the associated phenotype(s). This variant has been observed in one or more individuals affected with the associated recessive disease, as either homozygous or compound heterozygous with a second variant (PMID: 33227378). Given the available evidence, this variant is classified as Pathogenic.

Labcorp Genetics (formerly Invitae), Labcorp
Classification: Pathogenic. Last evaluated: 2023-08-22. Review status: criteria provided, single submitter. Criteria: Invitae Variant Classification Sherloc (09022015). Collection method: clinical testing. Allele origin: germline.
Comment: Experimental studies have shown that this frameshift affects STAR function (PMID: 9097960). Algorithms developed to predict the effect of variants on protein structure and function are not available or were not evaluated for this variant. ClinVar contains an entry for this variant (Variation ID: 558171). This variant is also known as 838del. This frameshift has been observed in individual(s) with congenital lipoid adrenal hyperplasia (PMID: 9077535, 9097960, 10215405, 26827627). In at least one individual the data is consistent with being in trans (on the opposite chromosome) from a pathogenic variant. It has also been observed to segregate with disease in related individuals. This variant is present in population databases (no rsID available, gnomAD 0.006%). This sequence change results in a frameshift in the STAR gene (p.Lys238Asnfs*83). While this is not anticipated to result in nonsense mediated decay, it is expected to disrupt the last 48 amino acid(s) of the STAR protein and extend the protein by 34 additional amino acid residues. For these reasons, this variant has been classified as Pathogenic.

Women's Health and Genetics/Laboratory Corporation of America, LabCorp
Classification: Pathogenic for Congenital lipoid adrenal hyperplasia due to STAR deficency. Last evaluated: 2023-07-26. Review status: criteria provided, single submitter. Criteria: LabCorp Variant Classification Summary - May 2015. Collection method: clinical testing. Allele origin: germline.
Comment: Variant summary: STAR c.714delA (p.Lys238AsnfsX83) causes a frameshift which alters the last 48 amino acids of the protein in the START domain (IPR002913) and results in an extension of the protein. The variant allele was found at a frequency of 4e-06 in 251482 control chromosomes (gnomAD). c.714delA has been reported in the literature in individuals affected with Congenital Lipoid Adrenal Hyperplasia who were compound heterozygous with another pathogenic variant (Nakae_1997, Qiu_2005, Amano_2017). These data indicate that the variant is likely to be associated with disease. At least one publication reports experimental evidence evaluating an impact on protein function, finding that cells transfected with the variant protein had no steroidogenesis enhancing activity (Nakae_2017). The following publications have been ascertained in the context of this evaluation (PMID: 9097960, 15347444, 28546232). Two submitters have cited clinical-significance assessments for this variant to ClinVar after 2014, and classified the variant as pathogenic/likely pathogenic. Based on the evidence outlined above, the variant was classified as pathogenic.

Counsyl
Classification: Likely pathogenic for Congenital lipoid adrenal hyperplasia due to STAR deficency. Last evaluated: 2018-05-03. Review status: no assertion criteria provided. Collection method: clinical testing. Allele origin: unknown. Not counted in ClinVar's aggregate classification.

Literature cited by the submitters: PubMed 33227378 (cited by Natera, Inc.); PubMed 9097960 (cited by 3 submitters); PubMed 9077535 (cited by Labcorp Genetics (formerly Invitae), Labcorp and Counsyl); PubMed 10215405 (cited by Labcorp Genetics (formerly Invitae), Labcorp); PubMed 26827627 (cited by Labcorp Genetics (formerly Invitae), Labcorp and Counsyl); PubMed 15347444 (cited by Women's Health and Genetics/Laboratory Corporation of America, LabCorp); PubMed 28546232 (cited by Women's Health and Genetics/Laboratory Corporation of America, LabCorp); PubMed 7892608 (cited by Counsyl).

NM_000349.3(STAR):c.714del (p.Lys238fs)

Gene: STAR (steroidogenic acute regulatory protein; minus strand). Cytogenetic location: 8p11.23.
Variant type: Deletion.
Coding change: c.714del on transcript NM_000349.3 (MANE Select); coding-DNA position 714, one base deleted (A; older notation c.714delA).
Protein change: p.Lys238fs; shifts the reading frame from lysine 238.
Molecular consequence: frameshift variant.
Genome position (GRCh38, 1-based): chr8:38,145,252, T deleted on the plus strand (A on the coding strand, the reverse complement: STAR is on the minus strand); the first of 3 consecutive T bases (chr8:38,145,252-38,145,254); deleting any one gives the same sequence. VCF-style (leftmost placement, unchanged base first): chr8-38145251-GT-G. GRCh37 (hg19) VCF-style: chr8-38002769-GT-G.
Other names: c.714del (NM_000349.2); short protein forms K238fs.
Identifiers: ClinVar variation 558171 (VCV000558171.10), dbSNP rs1417088430, ClinGen allele CA581109907.